The following is an entry in ClinVar:

ClinVar aggregate classification (germline): Likely benign (0 of 4 stars; one submission).

Conditions:
ULK4-related disorder. Also called: ULK4-related condition.

Allele frequency attached by ClinVar (database versions not stated): gnomAD exomes 0.00030; gnomAD 0.00037; TOPMed 0.00048; ExAC 0.00091; 1000 Genomes Project 30x 0.00187; 1000 Genomes Project 0.00200.
gnomAD v4.1: 486 of 1,592,746 alleles (0.031%); highest among the groups gnomAD compares: East Asian, 0.99%; 2 homozygotes.

Submission:

PreventionGenetics, part of Exact Sciences
Classification: Likely benign for ULK4-related condition. Last evaluated: 2019-04-12. Review status: no assertion criteria provided. Collection method: clinical testing. Allele origin: germline.
Comment: This variant is classified as likely benign based on ACMG/AMP sequence variant interpretation guidelines (Richards et al. 2015 PMID: 25741868, with internal and published modifications).

NM_017886.4(ULK4):c.1764+3G>A

Gene: ULK4 (unc-51 like kinase 4; minus strand). Cytogenetic location: 3p22.1.
Variant type: single nucleotide variant.
Coding change: c.1764+3G>A on transcript NM_017886.4 (MANE Select); 3 bases into the intron after coding-DNA position 1764, G replaced by A.
Molecular consequence: intron variant.
Genome position (GRCh38, 1-based): chr3:41,835,861, C>T on the plus strand (G>A on the coding strand, the complement: ULK4 is on the minus strand). VCF-style: chr3-41835861-C-T. GRCh37 (hg19) VCF-style: chr3-41877353-C-T.
Other names: c.858+3G>A (NM_001322501.2); c.1764+3G>A (NM_001322500.2).
Identifiers: ClinVar variation 3060720 (VCV003060720.2), dbSNP rs149890911, ClinGen allele CA2332140.